The following is an entry in ClinVar:

NM_004994.3(MMP9):c.934C>G (p.Arg312Gly)

Gene: MMP9 (matrix metallopeptidase 9; plus strand). Cytogenetic location: 20q13.12.
Variant type: single nucleotide variant.
Coding change: c.934C>G on transcript NM_004994.3 (MANE Select); coding-DNA position 934, C replaced by G.
Protein change: p.Arg312Gly; replaces arginine 312 with glycine.
Molecular consequence: missense variant.
Genome position (GRCh38, 1-based): chr20:46,011,684, C>G. VCF-style: chr20-46011684-C-G. GRCh37 (hg19) VCF-style: chr20-44640323-C-G.
Other names: short protein forms R312G.
Identifiers: ClinVar variation 2804728 (VCV002804728.3), dbSNP rs1568847496, ClinGen allele CA409215267.
Genomic context (GRCh38, chr20:46,011,684, plus strand): 5'-TTCATCTTCCAAGGCCAATCCTACTCCGCCTGCACCACGGACGGTCGCTCCGACGGCTAC[C>G]GCTGGTGCGCCACCACCGCCAACTACGACCGGGACAAGCTCTTCGGCTTCTGCCCGACCC-3'
Protein context (NP_004985.2, residues 302-322): CTTDGRSDGY[Arg312Gly]WCATTANYDR

ClinVar aggregate classification (germline): Uncertain significance (1 of 4 stars; one submission).

gnomAD v4.1: 1 of 1,614,092 alleles (0.000062%); highest among the groups gnomAD compares: Non-Finnish European, 0.000085%; no homozygotes.

Submission:

Labcorp Genetics (formerly Invitae), Labcorp
Classification: Uncertain significance. Last evaluated: 2023-04-24. Review status: criteria provided, single submitter. Criteria: Invitae Variant Classification Sherloc (09022015). Collection method: clinical testing. Allele origin: germline.
Comment: In summary, the available evidence is currently insufficient to determine the role of this variant in disease. Therefore, it has been classified as a Variant of Uncertain Significance. Advanced modeling of protein sequence and biophysical properties (such as structural, functional, and spatial information, amino acid conservation, physicochemical variation, residue mobility, and thermodynamic stability) performed at Invitae indicates that this missense variant is expected to disrupt MMP9 protein function. This variant has not been reported in the literature in individuals affected with MMP9-related conditions. This variant is not present in population databases (gnomAD no frequency). This sequence change replaces arginine, which is basic and polar, with glycine, which is neutral and non-polar, at codon 312 of the MMP9 protein (p.Arg312Gly).